The following is an entry in ClinVar:

NM_024704.5(KIF16B):c.3773_3774del (p.Ala1258fs)

Gene: KIF16B (kinesin family member 16B; minus strand). Cytogenetic location: 20p12.1.
Variant type: Deletion.
Coding change: c.3773_3774del on transcript NM_024704.5 (MANE Select); coding-DNA positions 3773 to 3774, 2 bases deleted (CT; older notation c.3773_3774delCT).
Protein change: p.Ala1258fs; shifts the reading frame from alanine 1258.
Molecular consequence: frameshift variant.
Genome position (GRCh38, 1-based): chr20:16,312,356-16,312,357, AG deleted on the plus strand (CT on the coding strand, the reverse complement: KIF16B is on the minus strand). VCF-style (leftmost placement, unchanged base first): chr20-16312355-CAG-C. GRCh37 (hg19) VCF-style: chr20-16293000-CAG-C.
Other names: c.3620_3621del, p.Ala1207fs (NM_001199865.2); short protein forms A1207fs, A1258fs.
Identifiers: ClinVar variation 1185003 (VCV001185003.3), dbSNP rs2122709970, ClinGen allele CA2499225685.

ClinVar aggregate classification (germline): Uncertain significance (1 of 4 stars; one submission).

Conditions:
Muscular atrophy. Also called: Muscle atrophy; Skeletal muscle atrophy. Identifiers: MedGen C0541794, MONDO:0004323, HP:0003202.

Submission:

Institute of Human Genetics, University of Goettingen
Classification: Uncertain significance for Muscular atrophy. Last evaluated: 2021-03-17. Review status: criteria provided, single submitter. Criteria: ACMG Guidelines, 2015. Collection method: clinical testing. Allele origin: germline. Inheritance: Autosomal dominant inheritance. Affected: yes. Observed: 1 variant allele, 1 heterozygote.
Comment: The variant c.3773_3774del (p.(Ala1258Glyfs*41)) in exon 25 of the KIF16B-gene is not found in the gnomAD database. This variation creates a frame shift starting at codon Ala1258. The new reading frame ends in a STOP codon at position 41. Pathogenic computational verdict based on 1 pathogenic prediction from phyloP vs no benign predictions. ACMG criteria used for classification: PVS1_Very Strong, PM2.